The following is an entry in ClinVar:

NM_017672.6(TRPM7):c.4333G>A (p.Asp1445Asn)

Gene: TRPM7 (transient receptor potential cation channel subfamily M member 7; minus strand). Cytogenetic location: 15q21.2.
Variant type: single nucleotide variant.
Coding change: c.4333G>A on transcript NM_017672.6 (MANE Select); coding-DNA position 4333, G replaced by A.
Protein change: p.Asp1445Asn; replaces aspartic acid 1445 with asparagine.
Molecular consequence: missense variant. On other transcripts: non-coding transcript variant (3).
Genome position (GRCh38, 1-based): chr15:50,589,648, C>T on the plus strand (G>A on the coding strand, the complement: TRPM7 is on the minus strand). VCF-style: chr15-50589648-C-T. GRCh37 (hg19) VCF-style: chr15-50881845-C-T.
Other names: c.4333G>A, p.Asp1445Asn (NM_001301212.2); short protein forms D1445N.
Identifiers: ClinVar variation 2507129 (VCV002507129.2), dbSNP rs1283819305, ClinGen allele CA392396946.
Genomic context (GRCh38, chr15:50,589,648, plus strand): 5'-TTACGGATAGTATTTTTATCTTGTTTGATGTTTCTTTAAACCTCTGTAAATCCATGCTAT[C>T]TCTGTGTCCTTTAATAGAAAAAAAGATGTTGCAATGAGAAATTTTTATTTTTCTTCACCG-3'
Protein context (NP_060142.3, residues 1435-1455): TEFGAFVGHR[Asp1445Asn]SMDLQRFKET

ClinVar aggregate classification (germline): Uncertain significance (1 of 4 stars; one submission).

Allele frequency attached by ClinVar (database versions not stated): gnomAD exomes 0.00001.
gnomAD v4.1: 5 of 1,588,182 alleles (0.00031%); highest among the groups gnomAD compares: South Asian, 0.0046%; no homozygotes.

Submission:

GeneDx
Classification: Uncertain significance. Last evaluated: 2024-10-02. Review status: criteria provided, single submitter. Criteria: GeneDx Variant Classification Process June 2021. Collection method: clinical testing. Allele origin: germline. Affected: yes.
Comment: In silico analysis indicates that this missense variant does not alter protein structure/function; Has not been previously published as pathogenic or benign to our knowledge; Not observed at significant frequency in large population cohorts (gnomAD)